The following is an entry in ClinVar:

NM_138615.3(DHX30):c.1028G>A (p.Arg343His)

Gene: DHX30 (DExH-box helicase 30; plus strand). Cytogenetic location: 3p21.31.
Variant type: single nucleotide variant.
Coding change: c.1028G>A on transcript NM_138615.3 (MANE Select); coding-DNA position 1028, G replaced by A.
Protein change: p.Arg343His; replaces arginine 343 with histidine.
Molecular consequence: missense variant.
Genome position (GRCh38, 1-based): chr3:47,845,788, G>A. VCF-style: chr3-47845788-G-A. GRCh37 (hg19) VCF-style: chr3-47887278-G-A.
Other names: c.944G>A, p.Arg315His (NM_001330990.2); c.911G>A, p.Arg304His (NM_014966.4); short protein forms R304H, R315H, R343H.
Identifiers: ClinVar variation 1683742 (VCV001683742.2), dbSNP rs2107130633, ClinGen allele CA352585486.
Genomic context (GRCh38, chr3:47,845,788, plus strand): 5'-AACCGCTTACACACGCCATGTATAACCTGGCCTCTTTGCGTGAGCTGGGTGAGACCCAGC[G>A]CCGACCATGCACCATCCAGGTGCCCGAGCCCATCCTCCGCAAGATAGAGACCTTCCTGAA-3'
Protein context (NP_619520.1, residues 333-353): ASLRELGETQ[Arg343His]RPCTIQVPEP

ClinVar aggregate classification (germline): Uncertain significance (1 of 4 stars; one submission).

Conditions:
Neurodevelopmental disorder with severe motor impairment and absent language. Also called: NEURODEVELOPMENTAL DISORDER WITH VARIABLE MOTOR AND LANGUAGE IMPAIRMENT. Identifiers: Orphanet 647788, MedGen C4540496, MONDO:0060622, OMIM 617804.

Allele frequency attached by ClinVar (database versions not stated): gnomAD exomes below 0.00001.
gnomAD v4.1: 2 of 1,612,622 alleles (0.00012%); highest among the groups gnomAD compares: Non-Finnish European, 0.00017%; no homozygotes.

Submission:

Laboratorio de Genetica e Diagnostico Molecular, Hospital Israelita Albert Einstein
Classification: Uncertain significance for Neurodevelopmental disorder with severe motor impairment and absent language. Last evaluated: 2021-11-09. Review status: criteria provided, single submitter. Criteria: ACMG Guidelines, 2015. Collection method: clinical testing. Allele origin: germline. Affected: yes.
Comment: ACMG classification criteria: PM2 moderate, PP2 supporting, BP4 supporting